The following is an entry in ClinVar:

ClinVar aggregate classification (germline): Uncertain significance (1 of 4 stars; one submission).

Allele frequency attached by ClinVar (database versions not stated): gnomAD 0.00001.
gnomAD v4.1: 1 of 1,512,348 alleles (0.000066%); highest among the groups gnomAD compares: Admixed American, 0.0023%; no homozygotes.

Submission:

Labcorp Genetics (formerly Invitae), Labcorp
Classification: Uncertain significance. Last evaluated: 2022-11-15. Review status: criteria provided, single submitter. Criteria: Invitae Variant Classification Sherloc (09022015). Collection method: clinical testing. Allele origin: germline.
Comment: This variant is not present in population databases (gnomAD no frequency). This sequence change replaces proline, which is neutral and non-polar, with glutamine, which is neutral and polar, at codon 75 of the KCNK4 protein (p.Pro75Gln). This variant has not been reported in the literature in individuals affected with KCNK4-related conditions. In summary, the available evidence is currently insufficient to determine the role of this variant in disease. Therefore, it has been classified as a Variant of Uncertain Significance. Algorithms developed to predict the effect of missense changes on protein structure and function are either unavailable or do not agree on the potential impact of this missense change (SIFT: "Not Available"; PolyPhen-2: "Probably Damaging"; Align-GVGD: "Not Available").

NM_033310.3(KCNK4):c.224C>A (p.Pro75Gln)

Genes: KCNK4 (potassium two pore domain channel subfamily K member 4; plus strand), KCNK4-CATSPERZ (KCNK4-CATSPERZ readthrough (NMD candidate); plus strand). Cytogenetic location: 11q13.1.
Variant type: single nucleotide variant.
Coding change: c.224C>A on transcript NM_033310.3 (MANE Select); coding-DNA position 224, C replaced by A.
Protein change: p.Pro75Gln; replaces proline 75 with glutamine.
Molecular consequence: missense variant. On other transcripts: non-coding transcript variant (3).
Genome position (GRCh38, 1-based): chr11:64,296,912, C>A. VCF-style: chr11-64296912-C-A. GRCh37 (hg19) VCF-style: chr11-64064384-C-A.
Other names: c.224C>A, p.Pro75Gln (NM_001317090.2, NM_033311.1); short protein forms P75Q.
Identifiers: ClinVar variation 1946015 (VCV001946015.5), dbSNP rs917138583, ClinGen allele CA223877899.